The following is an entry in ClinVar:

ClinVar aggregate classification (germline): Uncertain significance (1 of 4 stars; one submission).

Allele frequency attached by ClinVar (database versions not stated): gnomAD exomes below 0.00001.
gnomAD v4.1: 1 of 1,571,122 alleles (0.000064%); highest among the groups gnomAD compares: Admixed American, 0.0019%; no homozygotes.

Submission:

GeneDx
Classification: Uncertain significance. Last evaluated: 2022-04-15. Review status: criteria provided, single submitter. Criteria: GeneDx Variant Classification Process June 2021. Collection method: clinical testing. Allele origin: germline. Affected: yes.
Comment: Not observed at significant frequency in large population cohorts (gnomAD); In silico analysis supports that this missense variant has a deleterious effect on protein structure/function; Has not been previously published as pathogenic or benign to our knowledge

NM_001145809.2(MYH14):c.3302T>C (p.Leu1101Pro)

Gene: MYH14 (myosin heavy chain 14; plus strand). Cytogenetic location: 19q13.33.
Variant type: single nucleotide variant.
Coding change: c.3302T>C on transcript NM_001145809.2 (MANE Select); coding-DNA position 3302, T replaced by C.
Protein change: p.Leu1101Pro; replaces leucine 1101 with proline.
Molecular consequence: missense variant.
Genome position (GRCh38, 1-based): chr19:50,272,566, T>C. VCF-style: chr19-50272566-T-C. GRCh37 (hg19) VCF-style: chr19-50775823-T-C.
Other names: c.3203T>C, p.Leu1068Pro (NM_001077186.2); c.3179T>C, p.Leu1060Pro (NM_024729.4); short protein forms L1060P, L1068P, L1101P.
Identifiers: ClinVar variation 1710660 (VCV001710660.2), dbSNP rs1426900049, ClinGen allele CA406952369.